The following is an entry in ClinVar:

ClinVar aggregate classification (germline): Pathogenic (1 of 4 stars; one submission).

Conditions:
Familial thoracic aortic aneurysm and aortic dissection (TAAD). Also called: Thoracic aortic aneurysms and dissections. Identifiers: Orphanet 91387, MedGen C4707243, MONDO:0019625.
Marfan syndrome (MFS). Also called: Marfan syndrome type 1; Marfan's syndrome; Marfan syndrome, classic; MARFAN SYNDROME, TYPE I; FBN1-Related Marfan Syndrome. Identifiers: Orphanet 284963, Orphanet 558, MedGen C0024796, MONDO:0007947, OMIM 154700.

Submission:

Labcorp Genetics (formerly Invitae), Labcorp
Classification: Pathogenic for Marfan syndrome; Familial thoracic aortic aneurysm and aortic dissection. Last evaluated: 2020-02-01. Review status: criteria provided, single submitter. Criteria: Invitae Variant Classification Sherloc (09022015). Collection method: clinical testing. Allele origin: germline.
Comment: For these reasons, this variant has been classified as Pathogenic. Loss-of-function variants in FBN1 are known to be pathogenic (PMID: 17657824, 19293843). This nonsense change has been observed in individual(s) with Marfan syndrome (PMID: 8430317, 12130535). This variant is not present in population databases (ExAC no frequency). This sequence change creates a premature translational stop signal (p.Tyr2113*) in the FBN1 gene. It is expected to result in an absent or disrupted protein product.

Literature cited by the submitters: PubMed 17657824; PubMed 19293843; PubMed 8430317; PubMed 12130535.

NM_000138.5(FBN1):c.6338dup (p.Tyr2113Ter)

Gene: FBN1 (fibrillin 1; minus strand). Cytogenetic location: 15q21.1.
Variant type: Duplication.
Coding change: c.6338dup on transcript NM_000138.5 (MANE Select); coding-DNA position 6338, one base duplicated (A; older notation c.6338dupA).
Protein change: p.Tyr2113Ter; replaces tyrosine 2113 with a stop codon.
Molecular consequence: nonsense.
Genome position (GRCh38, 1-based): chr15:48,437,363, T duplicated on the plus strand (A on the coding strand, the reverse complement: FBN1 is on the minus strand). VCF-style (leftmost placement, unchanged base first): chr15-48437362-A-AT. GRCh37 (hg19) VCF-style: chr15-48729559-A-AT.
Other names: short protein forms Y2113*.
Identifiers: ClinVar variation 1073353 (VCV001073353.9), dbSNP rs2141240902, ClinGen allele CA2499222973.